The following is an entry in ClinVar:

NM_004168.4(SDHA):c.1423T>C (p.Cys475Arg)

Gene: SDHA (succinate dehydrogenase complex flavoprotein subunit A; plus strand). Cytogenetic location: 5p15.33.
Variant type: single nucleotide variant.
Coding change: c.1423T>C on transcript NM_004168.4 (MANE Select); coding-DNA position 1423, T replaced by C.
Protein change: p.Cys475Arg; replaces cysteine 475 with arginine.
Molecular consequence: missense variant.
Genome position (GRCh38, 1-based): chr5:236,590, T>C. VCF-style: chr5-236590-T-C. GRCh37 (hg19) VCF-style: chr5-236705-T-C.
Other names: c.1279T>C, p.Cys427Arg (NM_001294332.2); c.1423T>C, p.Cys475Arg (NM_001330758.2); short protein forms C475R, C427R.
Identifiers: ClinVar variation 239646 (VCV000239646.18), dbSNP rs781747137, ClinGen allele CA3173219.
Genomic context (GRCh38, chr5:236,590, plus strand): 5'-AACTCGCTCTTGGACCTGGTTGTCTTTGGTCGGGCATGTGCCCTGAGCATCGAAGAGTCA[T>C]GCAGGCCTGGTAAGTGTTTTCTTCAGGAGCCAGACTATTTGAGAAGGCGCAGGACGTTAG-3'
Protein context (NP_004159.2, residues 465-485): RACALSIEES[Cys475Arg]RPGDKVPPIK

ClinVar aggregate classification (germline): Uncertain significance. Review status: criteria provided, multiple submitters, no conflicts (2 of 4 stars). 7 submissions from 7 submitters: Uncertain significance (6). 1 of the submissions does not count toward it. Last evaluated 2026-02-17.

Conditions:
Pheochromocytoma/paraganglioma syndrome 5. Also called: Paragangliomas 5; SDHA-Related Hereditary Paraganglioma-Pheochromocytoma Syndrome. Identifiers: Orphanet 29072, MedGen C3279992, MONDO:0013602, OMIM 614165.
Mitochondrial complex II deficiency, nuclear type 1. Also called: SUCCINATE CoQ REDUCTASE DEFICIENCY. Identifiers: Orphanet 3208, MedGen C5700310, MONDO:0100294, OMIM 252011.
Hereditary cancer-predisposing syndrome. Also called: Hereditary Cancer Syndrome; Tumor predisposition; Hereditary neoplastic syndrome; Neoplastic Syndromes, Hereditary. Identifiers: Orphanet 140162, MedGen C0027672, MeSH D009386, MONDO:0015356.
Dilated cardiomyopathy 1GG (CMD1GG). Identifiers: Orphanet 154, MedGen C3150898, MONDO:0013339, OMIM 613642.

Allele frequency attached by ClinVar (database versions not stated): gnomAD exomes 0.00001 and 0.00002; TOPMed 0.00001; ExAC 0.00002.
gnomAD v4.1: 8 of 1,613,968 alleles (0.0005%); highest among the groups gnomAD compares: Admixed American, 0.0083%; no homozygotes.

Submissions (7):

GeneDx
Classification: Uncertain significance. Last evaluated: 2026-02-17. Review status: criteria provided, single submitter. Criteria: GeneDx Variant Classification Process June 2021. Collection method: clinical testing. Allele origin: germline.
Comment: Not observed at significant frequency in large population cohorts (gnomAD); In silico analysis suggests that this missense variant does not alter protein structure/function; Has not been previously published as pathogenic or benign to our knowledge

Labcorp Genetics (formerly Invitae), Labcorp
Classification: Uncertain significance for Pheochromocytoma/paraganglioma syndrome 5; Mitochondrial complex II deficiency, nuclear type 1. Last evaluated: 2024-12-12. Review status: criteria provided, single submitter. Criteria: Invitae Variant Classification Sherloc (09022015). Collection method: clinical testing. Allele origin: germline.
Comment: This sequence change replaces cysteine, which is neutral and slightly polar, with arginine, which is basic and polar, at codon 475 of the SDHA protein (p.Cys475Arg). This variant is present in population databases (rs781747137, gnomAD 0.01%). This variant has not been reported in the literature in individuals affected with SDHA-related conditions. ClinVar contains an entry for this variant (Variation ID: 239646). Invitae Evidence Modeling of protein sequence and biophysical properties (such as structural, functional, and spatial information, amino acid conservation, physicochemical variation, residue mobility, and thermodynamic stability) indicates that this missense variant is not expected to disrupt SDHA protein function with a negative predictive value of 95%. In summary, the available evidence is currently insufficient to determine the role of this variant in disease. Therefore, it has been classified as a Variant of Uncertain Significance.

Ambry Genetics
Classification: Uncertain significance for Hereditary cancer-predisposing syndrome. Last evaluated: 2024-08-07. Review status: criteria provided, single submitter. Criteria: Ambry Variant Classification Scheme 2023. Collection method: clinical testing. Allele origin: germline.

Quest Diagnostics Nichols Institute San Juan Capistrano
Classification: Uncertain significance. Last evaluated: 2024-02-02. Review status: criteria provided, single submitter. Criteria: Quest Diagnostics criteria. Collection method: clinical testing. Allele origin: unknown.
Comment: The SDHA c.1423T>C (p.Cys475Arg) variant has not been reported in individuals with SDHA-related conditions in the published literature. The frequency of this variant in the general population, 0.00012 (4/34592 chromosomes (Genome Aggregation Database)), is uninformative in the assessment of its pathogenicity. Analysis of this variant using bioinformatics tools for the prediction of the effect of amino acid changes on protein structure and function yielded predictions that this variant is benign. Based on the available information, we are unable to determine the clinical significance of this variant.

Baylor Genetics
Classification: Uncertain significance for Dilated cardiomyopathy 1GG. Last evaluated: 2023-06-13. Review status: criteria provided, single submitter. Criteria: ACMG Guidelines, 2015. Collection method: clinical testing. Allele origin: unknown.

Myriad Genetics, Inc.
Classification: Uncertain significance for Pheochromocytoma/paraganglioma syndrome 5. Last evaluated: 2023-04-21. Review status: criteria provided, single submitter. Criteria: Myriad Autosomal Dominant, Autosomal Recessive and X-Linked Classification Criteria (2023). Collection method: clinical testing. Allele origin: unknown.
Comment: This variant is classified as a variant of uncertain significance as there is insufficient evidence to determine its impact on protein function and/or cancer risk.

Counsyl
Classification: Uncertain significance for Pheochromocytoma/paraganglioma syndrome 5. Last evaluated: 2018-04-02. Review status: no assertion criteria provided. Collection method: clinical testing. Allele origin: unknown. Not counted in ClinVar's aggregate classification.

Literature cited by the submitters: PubMed 29773157 (cited by Quest Diagnostics Nichols Institute San Juan Capistrano).